The following is an entry in ClinVar:

NM_004517.4(ILK):c.1217T>C (p.Leu406Ser)

Genes: ILK (integrin linked kinase; plus strand), TAF10 (TATA-box binding protein associated factor 10; minus strand). Cytogenetic location: 11p15.4.
Variant type: single nucleotide variant.
Coding change: c.1217T>C on transcript NM_004517.4 (MANE Select); coding-DNA position 1217, T replaced by C.
Protein change: p.Leu406Ser; replaces leucine 406 with serine.
Molecular consequence: missense variant. On other transcripts: 3 prime UTR variant (1).
Genome position (GRCh38, 1-based): chr11:6,610,469, T>C. VCF-style: chr11-6610469-T-C. GRCh37 (hg19) VCF-style: chr11-6631700-T-C.
Other names: c.1217T>C, p.Leu406Ser (NM_001014794.3, NM_001014795.3); c.1034T>C, p.Leu345Ser (NM_001278441.2); c.815T>C, p.Leu272Ser (NM_001278442.2); c.*453A>G (NM_006284.4); short protein forms L272S, L345S, L406S.
Identifiers: ClinVar variation 4858446 (VCV004858446.1).

ClinVar aggregate classification (germline): Uncertain significance (1 of 4 stars; one submission).

gnomAD v4.1: 1 of 1,614,250 alleles (0.000062%); highest among the groups gnomAD compares: Non-Finnish European, 0.000085%; no homozygotes.

Submission:

Ambry Genetics
Classification: Uncertain significance. Last evaluated: 2026-04-20. Review status: criteria provided, single submitter. Criteria: Ambry Variant Classification Scheme 2023. Collection method: clinical testing. Allele origin: germline.
Comment: The p.L406S variant (also known as c.1217T>C), located in coding exon 12 of the ILK gene, results from a T to C substitution at nucleotide position 1217. The leucine at codon 406 is replaced by serine, an amino acid with dissimilar properties. This amino acid position is conserved. In addition, this alteration is predicted to be deleterious by in silico analysis. Based on the available evidence, the clinical significance of this variant remains unclear.